The following is an entry in ClinVar:

ClinVar aggregate classification (germline): Likely benign (1 of 4 stars; one submission).

Allele frequency attached by ClinVar (database versions not stated): gnomAD exomes below 0.00001; TOPMed below 0.00001.

Submission:

CeGaT Center for Human Genetics Tuebingen
Classification: Likely benign. Last evaluated: 2023-10-01. Review status: criteria provided, single submitter. Criteria: CeGaT Center For Human Genetics Tuebingen Variant Classification Criteria Version 2. Collection method: clinical testing. Allele origin: germline. Affected: yes. Observed: 1 variant allele.
Comment: POLR2A: PM2:Supporting, BP4, BP7

NM_000937.5(POLR2A):c.3165A>G (p.Ala1055=)

Gene: POLR2A (RNA polymerase II subunit A; plus strand). Cytogenetic location: 17p13.1.
Variant type: single nucleotide variant.
Coding change: c.3165A>G on transcript NM_000937.5 (MANE Select); coding-DNA position 3165, A replaced by G.
Protein change: p.Ala1055=; no amino-acid change (alanine 1055 retained).
Molecular consequence: synonymous variant.
Genome position (GRCh38, 1-based): chr17:7,503,716, A>G. VCF-style: chr17-7503716-A-G. GRCh37 (hg19) VCF-style: chr17-7407035-A-G.
Identifiers: ClinVar variation 2647352 (VCV002647352.24), dbSNP rs940804357, ClinGen allele CA287418385.
Genomic context (GRCh38, chr17:7,503,716, plus strand): 5'-AAATGCCACGCTGCTCTTCAACATCCACCTGCGGTCCACGTTGTGTTCCCGCCGCATGGC[A>G]GAGGAGTTTCGGCTCAGTGGGGAGGCCTTCGACTGGCTGCTTGGGGAGATTGAGTCCAAG-3'
Protein context (NP_000928.1, residues 1045-1065): LRSTLCSRRM[Ala1055=]EEFRLSGEAF